The following is an entry in ClinVar:

NM_001130823.3(DNMT1):c.4894G>C (p.Asp1632His)

Gene: DNMT1 (DNA methyltransferase 1; minus strand). Cytogenetic location: 19p13.2.
Variant type: single nucleotide variant.
Coding change: c.4894G>C on transcript NM_001130823.3 (MANE Select); coding-DNA position 4894, G replaced by C.
Protein change: p.Asp1632His; replaces aspartic acid 1632 with histidine.
Molecular consequence: missense variant.
Genome position (GRCh38, 1-based): chr19:10,133,672, C>G on the plus strand (G>C on the coding strand, the complement: DNMT1 is on the minus strand). VCF-style: chr19-10133672-C-G. GRCh37 (hg19) VCF-style: chr19-10244348-C-G.
Other names: c.4894G>C (LRG_362t1); c.4855G>C, p.Asp1619His (NM_001318730.2); c.4531G>C, p.Asp1511His (NM_001318731.2); c.4846G>C, p.Asp1616His (NM_001379.4); c.4846G>C (NM_001379.2); short protein forms D1632H, D1619H, D1616H, D1511H.
Identifiers: ClinVar variation 327886 (VCV000327886.27), dbSNP rs147118268, ClinGen allele CA9187354.

ClinVar aggregate classification (germline): Conflicting classifications of pathogenicity. Review status: criteria provided, conflicting classifications (1 of 4 stars). 5 submissions from 5 submitters: Uncertain significance (3); Likely benign (2). Last evaluated 2024-10-01.

Conditions:
Hereditary sensory neuropathy-deafness-dementia syndrome. Also called: Hereditary Sensory and Autonomic Neuropathy Type 1E (HSAN1E); NEUROPATHY, HEREDITARY SENSORY, WITH HEARING LOSS AND DEMENTIA; Hereditary sensory neuropathy type IE; HSN IE. Identifiers: Orphanet 456318, MedGen C3279885, MONDO:0013584, OMIM 614116.
Inborn genetic diseases. Identifiers: MedGen C0950123, MeSH D030342.

Allele frequency attached by ClinVar (database versions not stated): gnomAD exomes 0.00001; ExAC 0.00004; gnomAD 0.00005 and 0.00006; TOPMed 0.00005; ESP Exome Variant Server 0.00015.
gnomAD v4.1: 100 of 1,599,360 alleles (0.0063%); highest among the groups gnomAD compares: Non-Finnish European, 0.0078%; no homozygotes.

Submissions (5):

CeGaT Center for Human Genetics Tuebingen
Classification: Likely benign. Last evaluated: 2024-10-01. Review status: criteria provided, single submitter. Criteria: CeGaT Center For Human Genetics Tuebingen Variant Classification Criteria Version 2. Collection method: clinical testing. Allele origin: germline. Affected: yes. Observed: 1 variant allele.
Comment: DNMT1: BP4

Labcorp Genetics (formerly Invitae), Labcorp
Classification: Uncertain significance for Hereditary sensory neuropathy-deafness-dementia syndrome. Last evaluated: 2024-09-29. Review status: criteria provided, single submitter. Criteria: Invitae Variant Classification Sherloc (09022015). Collection method: clinical testing. Allele origin: germline.
Comment: This sequence change replaces aspartic acid, which is acidic and polar, with histidine, which is basic and polar, at codon 1632 of the DNMT1 protein (p.Asp1632His). This variant is present in population databases (rs147118268, gnomAD 0.002%). This variant has not been reported in the literature in individuals affected with DNMT1-related conditions. ClinVar contains an entry for this variant (Variation ID: 327886). Experimental studies and prediction algorithms are not available or were not evaluated, and the functional significance of this variant is currently unknown. In summary, the available evidence is currently insufficient to determine the role of this variant in disease. Therefore, it has been classified as a Variant of Uncertain Significance.

Ambry Genetics
Classification: Uncertain significance for Inborn genetic diseases. Last evaluated: 2023-08-17. Review status: criteria provided, single submitter. Criteria: Ambry Variant Classification Scheme 2023. Collection method: clinical testing. Allele origin: germline.

Blueprint Genetics
Classification: Uncertain significance. Last evaluated: 2019-10-04. Review status: criteria provided, single submitter. Criteria: ACMG Guidelines, 2015. Collection method: clinical testing. Allele origin: germline.

Illumina Laboratory Services, Illumina
Classification: Likely benign for Hereditary sensory neuropathy-deafness-dementia syndrome. Last evaluated: 2018-01-13. Review status: criteria provided, single submitter. Criteria: ICSL Variant Classification Criteria 13 December 2019. Collection method: clinical testing. Allele origin: germline.
Comment: This variant was observed in the ICSL laboratory as part of a predisposition screen in an ostensibly healthy population. It had not been previously curated by ICSL or reported in the Human Gene Mutation Database (HGMD: prior to June 1st, 2018), and was therefore a candidate for classification through an automated scoring system. Utilizing variant allele frequency, disease prevalence and penetrance estimates, and inheritance mode, an automated score was calculated to assess if this variant is too frequent to cause the disease. Based on the score and internal cut-off values, a variant classified as likely benign is not then subjected to further curation. The score for this variant resulted in a classification of likely benign for this disease.